The following is an entry in ClinVar:

NM_001371986.1(UNC80):c.1463C>T (p.Thr488Met)

Gene: UNC80 (unc-80 homolog, NALCN channel complex subunit; plus strand). Cytogenetic location: 2q34.
Variant type: single nucleotide variant.
Coding change: c.1463C>T on transcript NM_001371986.1 (MANE Select); coding-DNA position 1463, C replaced by T.
Protein change: p.Thr488Met; replaces threonine 488 with methionine.
Molecular consequence: missense variant.
Genome position (GRCh38, 1-based): chr2:209,817,036, C>T. VCF-style: chr2-209817036-C-T. GRCh37 (hg19) VCF-style: chr2-210681760-C-T.
Other names: c.1463C>T, p.Thr488Met (NM_032504.2, NM_182587.4); short protein forms T488M.
Identifiers: ClinVar variation 1345929 (VCV001345929.4), dbSNP rs1222726962, ClinGen allele CA350134663.

ClinVar aggregate classification (germline): Uncertain significance. Review status: criteria provided, multiple submitters, no conflicts (2 of 4 stars). 2 submissions from 2 submitters: Uncertain significance (2). Last evaluated 2022-01-17.

Allele frequency attached by ClinVar (database versions not stated): gnomAD exomes 0.00001; TOPMed 0.00001.
gnomAD v4.1: 9 of 1,551,590 alleles (0.00058%); highest among the groups gnomAD compares: East Asian, 0.0024%; no homozygotes.

Submissions (2):

Labcorp Genetics (formerly Invitae), Labcorp
Classification: Uncertain significance. Last evaluated: 2022-01-17. Review status: criteria provided, single submitter. Criteria: Invitae Variant Classification Sherloc (09022015). Collection method: clinical testing. Allele origin: germline.
Comment: This sequence change replaces threonine, which is neutral and polar, with methionine, which is neutral and non-polar, at codon 488 of the UNC80 protein (p.Thr488Met). This variant is present in population databases (no rsID available, gnomAD 0.006%). This variant has not been reported in the literature in individuals affected with UNC80-related conditions. Algorithms developed to predict the effect of missense changes on protein structure and function are either unavailable or do not agree on the potential impact of this missense change (SIFT: "Not Available"; PolyPhen-2: "Probably Damaging"; Align-GVGD: "Not Available"). In summary, the available evidence is currently insufficient to determine the role of this variant in disease. Therefore, it has been classified as a Variant of Uncertain Significance.

Breakthrough Genomics
Classification: Uncertain significance. Review status: criteria provided, single submitter. Criteria: ACMG Guidelines, 2015. Collection method: not provided. Allele origin: germline. Inheritance: Autosomal recessive inheritance. Affected: yes.